The following is an entry in ClinVar:

NM_001868.4(CPA1):c.131A>C (p.Asp44Ala)

Gene: CPA1 (carboxypeptidase A1; plus strand). Cytogenetic location: 7q32.2.
Variant type: single nucleotide variant.
Coding change: c.131A>C on transcript NM_001868.4 (MANE Select); coding-DNA position 131, A replaced by C.
Protein change: p.Asp44Ala; replaces aspartic acid 44 with alanine.
Molecular consequence: missense variant.
Genome position (GRCh38, 1-based): chr7:130,381,163, A>C. VCF-style: chr7-130381163-A-C. GRCh37 (hg19) VCF-style: chr7-130021004-A-C.
Other names: short protein forms D44A.
Identifiers: ClinVar variation 1001370 (VCV001001370.10), dbSNP rs968811807, ClinGen allele CA166884973.
Genomic context (GRCh38, chr7:130,381,163, plus strand): 5'-AGGTGCTCCGAATCTCTGTAGCCGATGAGGCCCAGGTACAGAAGGTGAAGGAGCTGGAGG[A>C]CCTGGAGCACCTGCAGGTCAGAAGAGGGGAGAAGGGCTCTCTGAGGCCCCAGGGTATCAG-3'
Protein context (NP_001859.1, residues 34-54): AQVQKVKELE[Asp44Ala]LEHLQLDFWR

ClinVar aggregate classification (germline): Uncertain significance. Review status: criteria provided, multiple submitters, no conflicts (2 of 4 stars). 2 submissions from 2 submitters: Uncertain significance (2). Last evaluated 2024-02-22.

Conditions:
Hereditary pancreatitis (PCTT). Also called: Hereditary chronic pancreatitis; PRSS1-Related Hereditary Pancreatitis. Identifiers: Orphanet 676, MedGen C0238339, MONDO:0008185, OMIM 167800.

Allele frequency attached by ClinVar (database versions not stated): gnomAD exomes below 0.00001.

Submissions (2):

Ambry Genetics
Classification: Uncertain significance for Hereditary pancreatitis. Last evaluated: 2024-02-22. Review status: criteria provided, single submitter. Criteria: Ambry Variant Classification Scheme 2023. Collection method: clinical testing. Allele origin: germline.
Comment: The p.D44A variant (also known as c.131A>C), located in coding exon 2 of the CPA1 gene, results from an A to C substitution at nucleotide position 131. The aspartic acid at codon 44 is replaced by alanine, an amino acid with dissimilar properties. This amino acid position is conserved. In addition, this alteration is predicted to be tolerated by in silico analysis. Since supporting evidence is limited at this time, the clinical significance of this alteration remains unclear.

Labcorp Genetics (formerly Invitae), Labcorp
Classification: Uncertain significance. Last evaluated: 2022-09-20. Review status: criteria provided, single submitter. Criteria: Invitae Variant Classification Sherloc (09022015). Collection method: clinical testing. Allele origin: germline.
Comment: This sequence change replaces aspartic acid, which is acidic and polar, with alanine, which is neutral and non-polar, at codon 44 of the CPA1 protein (p.Asp44Ala). This variant is not present in population databases (gnomAD no frequency). This variant has not been reported in the literature in individuals affected with CPA1-related conditions. ClinVar contains an entry for this variant (Variation ID: 1001370). Algorithms developed to predict the effect of missense changes on protein structure and function (SIFT, PolyPhen-2, Align-GVGD) all suggest that this variant is likely to be tolerated. In summary, the available evidence is currently insufficient to determine the role of this variant in disease. Therefore, it has been classified as a Variant of Uncertain Significance.